The following is an entry in ClinVar:

ClinVar aggregate classification (germline): Uncertain significance (1 of 4 stars; one submission).

Conditions:
Rothmund-Thomson syndrome type 2 (RTS2). Identifiers: Orphanet 221016, MedGen C5203410, MONDO:0016369, OMIM 268400.
Rapadilino syndrome. Identifiers: Orphanet 3021, MedGen C1849453, MONDO:0009955, OMIM 266280.
Baller-Gerold syndrome (BGS). Also called: CRANIOSYNOSTOSIS WITH RADIAL DEFECTS. Identifiers: Orphanet 1225, MedGen C0265308, MONDO:0009039, OMIM 218600.

Submission:

Juno Genomics, Hangzhou Juno Genomics, Inc
Classification: Uncertain significance for Rothmund-Thomson syndrome type 2; Baller-Gerold syndrome; Rapadilino syndrome. Review status: criteria provided, single submitter. Criteria: ACMG Guidelines, 2015. Collection method: clinical testing. Allele origin: germline.
Comment: Absent from controls (or at extremely low frequency if recessive) in Genome Aggregation Database.;Multiple lines of computational evidence support a deleterious effect on the gene or gene product.

NM_004260.4(RECQL4):c.3394-52G>A

Gene: RECQL4 (RecQ like helicase 4; minus strand). Cytogenetic location: 8q24.3.
Variant type: single nucleotide variant.
Coding change: c.3394-52G>A on transcript NM_004260.4 (MANE Select); 52 bases into the intron before coding-DNA position 3394, G replaced by A.
Molecular consequence: intron variant.
Genome position (GRCh38, 1-based): chr8:144,511,841, C>T on the plus strand (G>A on the coding strand, the complement: RECQL4 is on the minus strand). VCF-style: chr8-144511841-C-T. GRCh37 (hg19) VCF-style: chr8-145737224-C-T.
Other names: c.2332-52G>A (NM_001413041.1); c.2293-52G>A (NM_001413042.1); c.2191-52G>A (NM_001413037.1); c.2125-52G>A (NM_001413038.1, NM_001413031.1); c.2323-52G>A (NM_001413022.1, NM_001413035.1, NM_001413040.1 and 4 more transcripts); c.2398-52G>A (NM_001413023.1); c.3265-52G>A (NM_001413025.1); c.3043-52G>A (NM_001413029.1); and 9 more.
Identifiers: ClinVar variation 5019251 (VCV005019251.2).